The following is an entry in ClinVar:

ClinVar aggregate classification (germline): Likely pathogenic. Review status: criteria provided, multiple submitters, no conflicts (2 of 4 stars). 3 submissions from 3 submitters: Likely pathogenic (3). Last evaluated 2025-09-02.

Conditions:
Multiple sulfatase deficiency (MSD). Also called: Mucosulfatidosis; Multiple Sulfatase Deficiency Disease; Sulfatidosis, Juvenile, Austin Type. Identifiers: Orphanet 585, MedGen C0268263, MONDO:0010088, OMIM 272200.
SUMF1-related disorder. Also called: SUMF1-related condition.

gnomAD v4.1: 15 of 1,614,030 alleles (0.00093%); highest among the groups gnomAD compares: Admixed American, 0.0033%; no homozygotes.

Submissions (3):

Natera, Inc.
Classification: Likely pathogenic for Multiple sulfatase deficiency. Last evaluated: 2025-09-02. Review status: criteria provided, single submitter. Criteria: Natera Variant Classification Schema (03/2026). Collection method: clinical testing. Allele origin: germline.
Comment: The c.671G>A variant in SUMF1 is a missense variant predicted to cause substitution of arginine to glutamine at amino acid 224. This variant is rare in the general population with a frequency below the threshold expected for the associated phenotype(s). This variant has been observed in one or more individuals affected with the associated recessive disease, as either homozygous or compound heterozygous with a second variant (PMID: 36441600). A different variant at the same position has been determined to be Pathogenic or Likely Pathogenic. Computational prediction algorithms indicate this variant is likely to affect gene or protein function. Given the available evidence, this variant is classified as Likely Pathogenic.

First Genomix Gene Laboratory, Genetic Diagnostics Department
Classification: Likely pathogenic for Multiple sulfatase deficiency. Last evaluated: 2025-08-01. Review status: criteria provided, single submitter. Criteria: ACMG Guidelines, 2015. Collection method: clinical testing. Allele origin: germline. Inheritance: Autosomal recessive inheritance. Affected: no. Observed: 1 variant allele.

Blueprint Genetics
Classification: Likely pathogenic for SUMF1-related disorders. Last evaluated: 2024-07-30. Review status: criteria provided, single submitter. Criteria: ACMG Guidelines, 2015. Collection method: clinical testing. Allele origin: germline. Affected: yes. Observed: 2 variant alleles.

Literature cited by the submitters: PubMed 36441600 (cited by Natera, Inc.).

NM_182760.4(SUMF1):c.671G>A (p.Arg224Gln)

Gene: SUMF1 (sulfatase modifying factor 1; minus strand). Cytogenetic location: 3p26.1.
Variant type: single nucleotide variant.
Coding change: c.671G>A on transcript NM_182760.4 (MANE Select); coding-DNA position 671, G replaced by A.
Protein change: p.Arg224Gln; replaces arginine 224 with glutamine.
Molecular consequence: missense variant.
Genome position (GRCh38, 1-based): chr3:4,418,064, C>T on the plus strand (G>A on the coding strand, the complement: SUMF1 is on the minus strand). VCF-style: chr3-4418064-C-T. GRCh37 (hg19) VCF-style: chr3-4459748-C-T.
Other names: c.596G>A, p.Arg199Gln (NM_001164674.2); c.671G>A, p.Arg224Gln (NM_001164675.2); short protein forms R199Q, R224Q.
Identifiers: ClinVar variation 4816999 (VCV004816999.3).
Genomic context (GRCh38, chr3:4,418,064, plus strand): 5'-AAATACCTATTATGCAGGCCTCCTCGACAGCTGTATTCCCACTCAGCTTCCGTGGGCAGC[C>T]GCTTCCCTGCCCAAGTGCAGTAGGCAACCGCATCATTCCAGGACACATGGAGAACTGGAT-3'
Protein context (NP_877437.2, residues 214-234): AVAYCTWAGK[Arg224Gln]LPTEAEWEYS